The following is an entry in ClinVar:

NM_176787.5(PIGN):c.662G>T (p.Arg221Leu)

Gene: PIGN (phosphatidylinositol glycan anchor biosynthesis class N; minus strand). Cytogenetic location: 18q21.33.
Variant type: single nucleotide variant.
Coding change: c.662G>T on transcript NM_176787.5 (MANE Select); coding-DNA position 662, G replaced by T.
Protein change: p.Arg221Leu; replaces arginine 221 with leucine.
Molecular consequence: missense variant.
Genome position (GRCh38, 1-based): chr18:62,148,226, C>A on the plus strand (G>T on the coding strand, the complement: PIGN is on the minus strand). VCF-style: chr18-62148226-C-A. GRCh37 (hg19) VCF-style: chr18-59815459-C-A.
Other names: c.662G>T, p.Arg221Leu (NM_012327.6); short protein forms R221L.
Identifiers: ClinVar variation 1382061 (VCV001382061.5), dbSNP rs375338906, ClinGen allele CA8982539.

ClinVar aggregate classification (germline): Uncertain significance (1 of 4 stars; one submission).

Conditions:
Multiple congenital anomalies-hypotonia-seizures syndrome 1 (MCAHS1). Also called: PIGN-CDG; Congenital disorder of glycosylation due to PIGN deficiency; GLYCOSYLPHOSPHATIDYLINOSITOL BIOSYNTHESIS DEFECT 3. Identifiers: Orphanet 280633, MedGen C3279775, MONDO:0013563, OMIM 614080.

Allele frequency attached by ClinVar (database versions not stated): gnomAD 0.00002; ExAC 0.00009; ESP Exome Variant Server 0.00009.
gnomAD v4.1: 34 of 1,542,638 alleles (0.0022%); highest among the groups gnomAD compares: Non-Finnish European, 0.0026%; no homozygotes.

Submission:

Labcorp Genetics (formerly Invitae), Labcorp
Classification: Uncertain significance for Multiple congenital anomalies-hypotonia-seizures syndrome 1. Last evaluated: 2022-10-13. Review status: criteria provided, single submitter. Criteria: Invitae Variant Classification Sherloc (09022015). Collection method: clinical testing. Allele origin: germline.
Comment: This sequence change replaces arginine, which is basic and polar, with leucine, which is neutral and non-polar, at codon 221 of the PIGN protein (p.Arg221Leu). The frequency data for this variant in the population databases is considered unreliable, as metrics indicate poor data quality at this position in the gnomAD database. This variant has not been reported in the literature in individuals affected with PIGN-related conditions. ClinVar contains an entry for this variant (Variation ID: 1382061). Advanced modeling of protein sequence and biophysical properties (such as structural, functional, and spatial information, amino acid conservation, physicochemical variation, residue mobility, and thermodynamic stability) performed at Invitae indicates that this missense variant is not expected to disrupt PIGN protein function. In summary, the available evidence is currently insufficient to determine the role of this variant in disease. Therefore, it has been classified as a Variant of Uncertain Significance.